The following is an entry in ClinVar:

NM_004525.3(LRP2):c.1162A>G (p.Asn388Asp)

Gene: LRP2 (LDL receptor related protein 2; minus strand). Cytogenetic location: 2q31.1.
Variant type: single nucleotide variant.
Coding change: c.1162A>G on transcript NM_004525.3 (MANE Select); coding-DNA position 1162, A replaced by G.
Protein change: p.Asn388Asp; replaces asparagine 388 with aspartic acid.
Molecular consequence: missense variant.
Genome position (GRCh38, 1-based): chr2:169,282,882, T>C on the plus strand (A>G on the coding strand, the complement: LRP2 is on the minus strand). VCF-style: chr2-169282882-T-C. GRCh37 (hg19) VCF-style: chr2-170139392-T-C.
Other names: short protein forms N388D.
Identifiers: ClinVar variation 1395454 (VCV001395454.6), dbSNP rs1433571925, ClinGen allele CA349152188.
Genomic context (GRCh38, chr2:169,282,882, plus strand): 5'-TATTAGAATCTGTTCACTGTTCAGAGACACAGGTGTCCATAATTTACTCACAGGAATCAT[T>C]AGCTTTGCAATACTGTCCACGCTCCAAGATATACCCTTCTTCACAGTGGCACAGGTGACG-3'
Protein context (NP_004516.2, residues 378-398): ILERGQYCKA[Asn388Asp]DSFGEASIIF

ClinVar aggregate classification (germline): Uncertain significance (1 of 4 stars; one submission).

Allele frequency attached by ClinVar (database versions not stated): TOPMed below 0.00001.

Submission:

Labcorp Genetics (formerly Invitae), Labcorp
Classification: Uncertain significance. Last evaluated: 2022-06-05. Review status: criteria provided, single submitter. Criteria: Invitae Variant Classification Sherloc (09022015). Collection method: clinical testing. Allele origin: germline.
Comment: This sequence change replaces asparagine, which is neutral and polar, with aspartic acid, which is acidic and polar, at codon 388 of the LRP2 protein (p.Asn388Asp). The frequency data for this variant in the population databases is considered unreliable, as metrics indicate poor data quality at this position in the gnomAD database. This variant has not been reported in the literature in individuals affected with LRP2-related conditions. ClinVar contains an entry for this variant (Variation ID: 1395454). Advanced modeling of protein sequence and biophysical properties (such as structural, functional, and spatial information, amino acid conservation, physicochemical variation, residue mobility, and thermodynamic stability) performed at Invitae indicates that this missense variant is not expected to disrupt LRP2 protein function. In summary, the available evidence is currently insufficient to determine the role of this variant in disease. Therefore, it has been classified as a Variant of Uncertain Significance.